The following is an entry in ClinVar:

NM_000628.5(IL10RB):c.498G>C (p.Lys166Asn)

Genes: IL10RB (interleukin 10 receptor subunit beta; plus strand), IFNAR2-IL10RB (IFNAR2-IL10RB readthrough; plus strand). Cytogenetic location: 21q22.11.
Variant type: single nucleotide variant.
Coding change: c.498G>C on transcript NM_000628.5 (MANE Select); coding-DNA position 498, G replaced by C.
Protein change: p.Lys166Asn; replaces lysine 166 with asparagine.
Molecular consequence: missense variant.
Genome position (GRCh38, 1-based): chr21:33,279,918, G>C. VCF-style: chr21-33279918-G-C. GRCh37 (hg19) VCF-style: chr21-34652223-G-C.
Other names: short protein forms K166N.
Identifiers: ClinVar variation 1489805 (VCV001489805.8), dbSNP rs1989249790, ClinGen allele CA410110106.
Genomic context (GRCh38, chr21:33,279,918, plus strand): 5'-GAATGTGTATAACTCATGGACTTATAATGTGCAATACTGGAAAAACGGTACTGATGAAAA[G>C]GTAAGGTTGGCTAATTGCATTTCAGAGGTAGTAGGCTTTCATATTCTTTGCAGAATCTTG-3'
Protein context (NP_000619.3, residues 156-176): VQYWKNGTDE[Lys166Asn]FQITPQYDFE

ClinVar aggregate classification (germline): Uncertain significance (1 of 4 stars; one submission).

Conditions:
Inflammatory bowel disease 25. Also called: Inflammatory bowel disease 25, early onset, autosomal recessive. Identifiers: Orphanet 238569, MedGen C2675508, MONDO:0012941, OMIM 612567.

gnomAD v4.1: 1 of 1,613,190 alleles (0.000062%); highest among the groups gnomAD compares: Non-Finnish European, 0.000085%; no homozygotes.

Submission:

Labcorp Genetics (formerly Invitae), Labcorp
Classification: Uncertain significance for Inflammatory bowel disease 25. Last evaluated: 2020-12-18. Review status: criteria provided, single submitter. Criteria: Invitae Variant Classification Sherloc (09022015). Collection method: clinical testing. Allele origin: germline.
Comment: This sequence change replaces lysine with asparagine at codon 166 of the IL10RB protein (p.Lys166Asn). The lysine residue is moderately conserved and there is a moderate physicochemical difference between lysine and asparagine. This variant also falls at the last nucleotide of exon 4, which is part of the consensus splice site for this exon. This variant is not present in population databases (ExAC no frequency). This variant has not been reported in the literature in individuals with IL10RB-related conditions. Algorithms developed to predict the effect of missense changes on protein structure and function are either unavailable or do not agree on the potential impact of this missense change (SIFT: "Deleterious"; PolyPhen-2: "Probably Damaging"; Align-GVGD: "Class C0"). Nucleotide substitutions within the consensus splice site are a relatively common cause of aberrant splicing (PMID: 17576681, 9536098). Algorithms developed to predict the effect of sequence changes on RNA splicing suggest that this variant may disrupt the consensus splice site, but this prediction has not been confirmed by published transcriptional studies. In summary, the available evidence is currently insufficient to determine the role of this variant in disease. Therefore, it has been classified as a Variant of Uncertain Significance.

Literature cited by the submitters: PubMed 17576681; PubMed 9536098.